The following is an entry in ClinVar:

NM_032861.4(SERAC1):c.186T>C (p.Asp62=)

Gene: SERAC1 (serine active site containing 1; minus strand). Cytogenetic location: 6q25.3.
Variant type: single nucleotide variant.
Coding change: c.186T>C on transcript NM_032861.4 (MANE Select); coding-DNA position 186, T replaced by C.
Protein change: p.Asp62=; no amino-acid change (aspartic acid 62 retained).
Molecular consequence: synonymous variant. On other transcripts: non-coding transcript variant (1).
Genome position (GRCh38, 1-based): chr6:158,150,532, A>G on the plus strand (T>C on the coding strand, the complement: SERAC1 is on the minus strand). VCF-style: chr6-158150532-A-G. GRCh37 (hg19) VCF-style: chr6-158571564-A-G.
Identifiers: ClinVar variation 3046880 (VCV003046880.2), dbSNP rs2483596755, ClinGen allele CA452822492.

ClinVar aggregate classification (germline): Likely benign (0 of 4 stars; one submission).

Conditions:
SERAC1-related disorder. Also called: SERAC1-related disorders; SERAC1-related condition.

Allele frequency attached by ClinVar (database versions not stated): gnomAD exomes below 0.00001.
gnomAD v4.1: 2 of 1,597,986 alleles (0.00013%); highest among the groups gnomAD compares: East Asian, 0.0022%; no homozygotes.

Submission:

PreventionGenetics, part of Exact Sciences
Classification: Likely benign for SERAC1-related condition. Last evaluated: 2019-02-19. Review status: no assertion criteria provided. Collection method: clinical testing. Allele origin: germline.
Comment: This variant is classified as likely benign based on ACMG/AMP sequence variant interpretation guidelines (Richards et al. 2015 PMID: 25741868, with internal and published modifications).